The following is an entry in ClinVar:

ClinVar aggregate classification (germline): Uncertain significance (1 of 4 stars; one submission).

Conditions:
Cardiovascular phenotype. Identifiers: MedGen CN230736.

gnomAD v4.1: 1 of 944,430 alleles (0.00011%); highest among the groups gnomAD compares: Non-Finnish European, 0.00013%; no homozygotes.

Submission:

Ambry Genetics
Classification: Uncertain significance for Cardiovascular phenotype. Last evaluated: 2022-12-25. Review status: criteria provided, single submitter. Criteria: Ambry Variant Classification Scheme 2023. Collection method: clinical testing. Allele origin: germline.
Comment: The p.E42A variant (also known as c.125A>C), located in coding exon 2 of the TBX1 gene, results from an A to C substitution at nucleotide position 125. The glutamic acid at codon 42 is replaced by alanine, an amino acid with dissimilar properties. This amino acid position is conserved. In addition, this alteration is predicted to be tolerated by in silico analysis. Since supporting evidence is limited at this time, the clinical significance of this alteration remains unclear.

NM_001379200.1(TBX1):c.152A>C (p.Glu51Ala)

Gene: TBX1 (T-box transcription factor 1; plus strand). Cytogenetic location: 22q11.21.
Variant type: single nucleotide variant.
Coding change: c.152A>C on transcript NM_001379200.1 (MANE Select); coding-DNA position 152, A replaced by C.
Protein change: p.Glu51Ala; replaces glutamic acid 51 with alanine.
Molecular consequence: missense variant.
Genome position (GRCh38, 1-based): chr22:19,760,995, A>C. VCF-style: chr22-19760995-A-C. GRCh37 (hg19) VCF-style: chr22-19748518-A-C.
Other names: c.125A>C, p.Glu42Ala (NM_005992.1, NM_080646.2, NM_080647.1); short protein forms E42A, E51A.
Identifiers: ClinVar variation 2447903 (VCV002447903.2), dbSNP rs2517841736, ClinGen allele CA410681258.